The following is an entry in ClinVar:

NM_002234.4(KCNA5):c.693G>T (p.Glu231Asp)

Gene: KCNA5 (potassium voltage-gated channel subfamily A member 5; plus strand). Cytogenetic location: 12p13.32.
Variant type: single nucleotide variant.
Coding change: c.693G>T on transcript NM_002234.4 (MANE Select); coding-DNA position 693, G replaced by T.
Protein change: p.Glu231Asp; replaces glutamic acid 231 with aspartic acid.
Molecular consequence: missense variant.
Genome position (GRCh38, 1-based): chr12:5,044,840, G>T. VCF-style: chr12-5044840-G-T. GRCh37 (hg19) VCF-style: chr12-5154006-G-T.
Other names: short protein forms E231D.
Identifiers: ClinVar variation 3624503 (VCV003624503.2).

ClinVar aggregate classification (germline): Uncertain significance (1 of 4 stars; one submission).

Conditions:
Atrial fibrillation, familial, 7 (ATFB7). Identifiers: MedGen C2677106, MONDO:0012828, OMIM 612240.

Submission:

Labcorp Genetics (formerly Invitae), Labcorp
Classification: Uncertain significance for Atrial fibrillation, familial, 7. Last evaluated: 2025-06-15. Review status: criteria provided, single submitter. Criteria: Invitae Variant Classification Sherloc (09022015). Collection method: clinical testing. Allele origin: germline.
Comment: This sequence change replaces glutamic acid, which is acidic and polar, with aspartic acid, which is acidic and polar, at codon 231 of the KCNA5 protein (p.Glu231Asp). This variant is present in population databases (rs780913568, gnomAD 0.02%). This variant has not been reported in the literature in individuals affected with KCNA5-related conditions. ClinVar contains an entry for this variant (Variation ID: 3624503). Invitae Evidence Modeling of protein sequence and biophysical properties (such as structural, functional, and spatial information, amino acid conservation, physicochemical variation, residue mobility, and thermodynamic stability) indicates that this missense variant is not expected to disrupt KCNA5 protein function with a negative predictive value of 80%. In summary, the available evidence is currently insufficient to determine the role of this variant in disease. Therefore, it has been classified as a Variant of Uncertain Significance.